The following is an entry in ClinVar:

NM_004655.4(AXIN2):c.2072C>T (p.Pro691Leu)

Gene: AXIN2 (axin 2; minus strand). Cytogenetic location: 17q24.1.
Variant type: single nucleotide variant.
Coding change: c.2072C>T on transcript NM_004655.4 (MANE Select); coding-DNA position 2072, C replaced by T.
Protein change: p.Pro691Leu; replaces proline 691 with leucine.
Molecular consequence: missense variant.
Genome position (GRCh38, 1-based): chr17:65,536,389, G>A on the plus strand (C>T on the coding strand, the complement: AXIN2 is on the minus strand). VCF-style: chr17-65536389-G-A. GRCh37 (hg19) VCF-style: chr17-63532507-G-A.
Other names: c.2072C>T (LRG_296t1); c.1877C>T, p.Pro626Leu (NM_001363813.1); short protein forms P691L, P626L.
Identifiers: ClinVar variation 582362 (VCV000582362.8), dbSNP rs1567754067, ClinGen allele CA400676044.
Genomic context (GRCh38, chr17:65,536,389, plus strand): 5'-GGGGGCTTCGACACCTCAGCTAGCCTGCGACAGGCCTCCTCCAGCTGAGCCAGCGTGTTG[G>A]GTGGGGTCAGGGGAGGCATCGCAGGGTCCTGGGTGAACAGGTGGGCACGGGGGGTGGTGC-3'
Protein context (NP_004646.3, residues 681-701): QDPAMPPLTP[Pro691Leu]NTLAQLEEAC

ClinVar aggregate classification (germline): Uncertain significance (1 of 4 stars; one submission).

Conditions:
Oligodontia-cancer predisposition syndrome. Also called: TOOTH AGENESIS-COLORECTAL CANCER SYNDROME. Identifiers: Orphanet 300576, MedGen C1837750, MONDO:0012075, OMIM 608615. Disease mechanism: loss of function.

Submission:

Labcorp Genetics (formerly Invitae), Labcorp
Classification: Uncertain significance for Oligodontia-cancer predisposition syndrome. Last evaluated: 2018-05-09. Review status: criteria provided, single submitter. Criteria: Invitae Variant Classification Sherloc (09022015). Collection method: clinical testing. Allele origin: germline.
Comment: In summary, the available evidence is currently insufficient to determine the role of this variant in disease. Therefore, it has been classified as a Variant of Uncertain Significance. Algorithms developed to predict the effect of missense changes on protein structure and function do not agree on the potential impact of this missense change (SIFT: "Tolerated"; PolyPhen-2: "Probably Damaging"; Align-GVGD: "Class C0"). This variant has not been reported in the literature in individuals with AXIN2-related disease. This variant is not present in population databases (ExAC no frequency). This sequence change replaces proline with leucine at codon 691 of the AXIN2 protein (p.Pro691Leu). The proline residue is highly conserved and there is a moderate physicochemical difference between proline and leucine.